The following is an entry in ClinVar:

ClinVar aggregate classification (germline): Uncertain significance (1 of 4 stars; one submission).

Allele frequency attached by ClinVar (database versions not stated): gnomAD exomes below 0.00001 and 0.00002; TOPMed below 0.00001; gnomAD 0.00001.

Submission:

Labcorp Genetics (formerly Invitae), Labcorp
Classification: Uncertain significance. Last evaluated: 2025-08-29. Review status: criteria provided, single submitter. Criteria: Invitae Variant Classification Sherloc (09022015). Collection method: clinical testing. Allele origin: germline.
Comment: This sequence change replaces valine, which is neutral and non-polar, with leucine, which is neutral and non-polar, at codon 420 of the ITGAM protein (p.Val420Leu). This variant is present in population databases (no rsID available, gnomAD 0.003%). This variant has not been reported in the literature in individuals affected with ITGAM-related conditions. ClinVar contains an entry for this variant (Variation ID: 1507958). An algorithm developed to predict the effect of missense changes on protein structure and function outputs the following: PolyPhen-2: "Benign". The leucine amino acid residue is found in multiple mammalian species, which suggests that this missense change does not adversely affect protein function. In summary, the available evidence is currently insufficient to determine the role of this variant in disease. Therefore, it has been classified as a Variant of Uncertain Significance.

NM_000632.4(ITGAM):c.1258G>C (p.Val420Leu)

Gene: ITGAM (integrin subunit alpha M; plus strand). Cytogenetic location: 16p11.2.
Variant type: single nucleotide variant.
Coding change: c.1258G>C on transcript NM_000632.4 (MANE Select); coding-DNA position 1258, G replaced by C.
Protein change: p.Val420Leu; replaces valine 420 with leucine.
Molecular consequence: missense variant.
Genome position (GRCh38, 1-based): chr16:31,278,011, G>C. VCF-style: chr16-31278011-G-C. GRCh37 (hg19) VCF-style: chr16-31289332-G-C.
Other names: c.1258G>C, p.Val420Leu (NM_001145808.2); short protein forms V420L.
Identifiers: ClinVar variation 1507958 (VCV001507958.8), dbSNP rs1303059381, ClinGen allele CA395701997.